The following is an entry in ClinVar:

NM_032444.4(SLX4):c.4600G>A (p.Gly1534Ser)

Gene: SLX4 (SLX4 structure-specific endonuclease subunit; minus strand). Cytogenetic location: 16p13.3.
Variant type: single nucleotide variant.
Coding change: c.4600G>A on transcript NM_032444.4 (MANE Select); coding-DNA position 4600, G replaced by A.
Protein change: p.Gly1534Ser; replaces glycine 1534 with serine.
Molecular consequence: missense variant.
Genome position (GRCh38, 1-based): chr16:3,589,038, C>T on the plus strand (G>A on the coding strand, the complement: SLX4 is on the minus strand). VCF-style: chr16-3589038-C-T. GRCh37 (hg19) VCF-style: chr16-3639039-C-T.
Other names: c.4600G>A (LRG_503t1, NM_032444.3); short protein forms G1534S.
Identifiers: ClinVar variation 241693 (VCV000241693.21), dbSNP rs78770603, ClinGen allele CA7865589.
Genomic context (GRCh38, chr16:3,589,038, plus strand): 5'-TCCCCAGCTCTCCTGGCTACTCACTGGGTGTCTCTAACCCTTCGGGCTTCTGAGCTCCAC[C>T]AGCGCTTGGCATCTGGGCCGGAGGAGGGGTCTCTGGAGGCCTCTGCTCTTCCCCGTCCCA-3'
Protein context (NP_115820.2, residues 1524-1544): TPPPAQMPSA[Gly1534Ser]GAQKPEGLET

ClinVar aggregate classification (germline): Benign. Review status: criteria provided, multiple submitters, no conflicts (2 of 4 stars). 7 submissions from 7 submitters: Benign (7). Last evaluated 2026-02-02.

Conditions:
Fanconi anemia complementation group P. Also called: SLX4-Related Fanconi Anemia. Identifiers: Orphanet 84, MedGen C3469542, MONDO:0013499, OMIM 613951.
Fanconi anemia (FA). Also called: Fanconi's anemia. Identifiers: Orphanet 84, MedGen C0015625, MeSH D005199, MONDO:0019391.

Allele frequency attached by ClinVar (database versions not stated): gnomAD exomes 0.00380; ExAC 0.00490; 1000 Genomes Project 0.01378; 1000 Genomes Project 30x 0.01499; ESP Exome Variant Server 0.01608; TOPMed 0.01615.
gnomAD v4.1: 4,281 of 1,614,146 alleles (0.27%); highest among the groups gnomAD compares: African/African-American, 4.9%; 114 homozygotes.

Submissions (7):

Labcorp Genetics (formerly Invitae), Labcorp
Classification: Benign for Fanconi anemia. Last evaluated: 2026-02-02. Review status: criteria provided, single submitter. Criteria: Invitae Variant Classification Sherloc (09022015). Collection method: clinical testing. Allele origin: germline.

ARUP Laboratories, Molecular Genetics and Genomics, ARUP Laboratories
Classification: Benign for Fanconi anemia complementation group P. Last evaluated: 2024-10-10. Review status: criteria provided, single submitter. Criteria: ARUP Molecular Germline Variant Investigation Process 2024. Collection method: clinical testing. Allele origin: germline.

KCCC/NGS Laboratory, Kuwait Cancer Control Center
Classification: Benign for Fanconi anemia complementation group P. Last evaluated: 2023-07-07. Review status: criteria provided, single submitter. Criteria: ACMG Guidelines, 2015. Collection method: clinical testing. Allele origin: germline. Affected: yes.

GeneDx
Classification: Benign. Last evaluated: 2020-12-07. Review status: criteria provided, single submitter. Criteria: GeneDx Variant Classification Process June 2021. Collection method: clinical testing. Allele origin: germline. Affected: yes.

Illumina Laboratory Services, Illumina
Classification: Benign for Fanconi anemia complementation group P. Last evaluated: 2018-01-13. Review status: criteria provided, single submitter. Criteria: ICSL Variant Classification Criteria 13 December 2019. Collection method: clinical testing. Allele origin: germline.
Comment: This variant was observed in the ICSL laboratory as part of a predisposition screen in an ostensibly healthy population. It had not been previously curated by ICSL or reported in the Human Gene Mutation Database (HGMD: prior to June 1st, 2018), and was therefore a candidate for classification through an automated scoring system. Utilizing variant allele frequency, disease prevalence and penetrance estimates, and inheritance mode, an automated score was calculated to assess if this variant is too frequent to cause the disease. Based on the score and internal cut-off values, a variant classified as benign is not then subjected to further curation. The score for this variant resulted in a classification of benign for this disease.

Breakthrough Genomics
Classification: Benign. Review status: criteria provided, single submitter. Criteria: ACMG Guidelines, 2015. Collection method: not provided. Allele origin: germline. Inheritance: Autosomal recessive inheritance. Affected: yes.

PreventionGenetics, part of Exact Sciences
Classification: Benign. Review status: criteria provided, single submitter. Criteria: ACMG Guidelines, 2015. Collection method: clinical testing. Allele origin: germline.